The following is an entry in ClinVar:

NM_000168.6(GLI3):c.*911A>G

Gene: GLI3 (GLI family zinc finger 3; minus strand). Cytogenetic location: 7p14.1.
Variant type: single nucleotide variant.
Coding change: c.*911A>G on transcript NM_000168.6 (MANE Select); 911 bases downstream of the stop codon, A replaced by G.
Molecular consequence: 3 prime UTR variant.
Genome position (GRCh38, 1-based): chr7:41,963,419, T>C on the plus strand (A>G on the coding strand, the complement: GLI3 is on the minus strand). VCF-style: chr7-41963419-T-C. GRCh37 (hg19) VCF-style: chr7-42003017-T-C.
Identifiers: ClinVar variation 360201 (VCV000360201.5), dbSNP rs187664615, ClinGen allele CA10626087.

ClinVar aggregate classification (germline): Benign. Review status: criteria provided, single submitter (1 of 4 stars). 3 submissions from 1 submitter: Benign (3). Last evaluated 2018-01-12.

Conditions:
Pallister-Hall syndrome (PHS). Also called: HYPOTHALAMIC HAMARTOBLASTOMA, HYPOPITUITARISM, IMPERFORATE ANUS, AND POSTAXIAL POLYDACTYLY; GLI3-Related Pallister-Hall Syndrome. Identifiers: Orphanet 672, MedGen C0265220, MONDO:0007804, OMIM 146510.
Greig cephalopolysyndactyly syndrome (GCPS). Also called: POLYSYNDACTYLY WITH PECULIAR SKULL SHAPE; Greig syndrome; GLI3-Related Greig Cephalopolysyndactyly Syndrome. Identifiers: Orphanet 380, MedGen C0265306, MONDO:0008287, OMIM 175700.
Polydactyly. Also called: polydactylism. Identifiers: MedGen C0152427, MONDO:0021003, OMIM 603596, HP:0010442.

Allele frequency attached by ClinVar (database versions not stated): 1000 Genomes Project 0.00080; 1000 Genomes Project 30x 0.00125; TOPMed 0.00374; gnomAD 0.00384 and 0.00395.

Submissions (3):

Illumina Laboratory Services, Illumina
Classification: Benign for Polydactyly. Last evaluated: 2018-01-12. Review status: criteria provided, single submitter. Criteria: ICSL Variant Classification Criteria 13 December 2019. Collection method: clinical testing. Allele origin: germline.
Comment: This variant was observed in the ICSL laboratory as part of a predisposition screen in an ostensibly healthy population. It had not been previously curated by ICSL or reported in the Human Gene Mutation Database (HGMD: prior to June 1st, 2018), and was therefore a candidate for classification through an automated scoring system. Utilizing variant allele frequency, disease prevalence and penetrance estimates, and inheritance mode, an automated score was calculated to assess if this variant is too frequent to cause the disease. Based on the score and internal cut-off values, a variant classified as benign is not then subjected to further curation. The score for this variant resulted in a classification of benign for this disease.

Illumina Laboratory Services, Illumina
Classification: Benign for Greig cephalopolysyndactyly syndrome. Last evaluated: 2018-01-12. Review status: criteria provided, single submitter. Criteria: ICSL Variant Classification Criteria 13 December 2019. Collection method: clinical testing. Allele origin: germline.
Comment: the same text as in the submission from Illumina Laboratory Services, Illumina above.

Illumina Laboratory Services, Illumina
Classification: Benign for Pallister-Hall syndrome. Last evaluated: 2018-01-12. Review status: criteria provided, single submitter. Criteria: ICSL Variant Classification Criteria 13 December 2019. Collection method: clinical testing. Allele origin: germline.
Comment: the same text as in the submission from Illumina Laboratory Services, Illumina above.